The following is an entry in ClinVar:

ClinVar aggregate classification (germline): Uncertain significance (1 of 4 stars; one submission).

Conditions:
Hereditary spastic paraplegia 48. Also called: SPASTIC PARAPLEGIA 48, AUTOSOMAL RECESSIVE; Spastic paraplegia 48. Identifiers: Orphanet 306511, MedGen C3150901, MONDO:0013342, OMIM 613647.

Allele frequency attached by ClinVar (database versions not stated): gnomAD 0.00005; ExAC 0.00006.
gnomAD v4.1: 38 of 1,599,906 alleles (0.0024%); highest among the groups gnomAD compares: African/African-American, 0.008%; no homozygotes.

Submission:

Labcorp Genetics (formerly Invitae), Labcorp
Classification: Uncertain significance for Hereditary spastic paraplegia 48. Last evaluated: 2025-11-10. Review status: criteria provided, single submitter. Criteria: Invitae Variant Classification Sherloc (09022015). Collection method: clinical testing. Allele origin: germline.
Comment: This sequence change replaces aspartic acid, which is acidic and polar, with asparagine, which is neutral and polar, at codon 235 of the AP5Z1 protein (p.Asp235Asn). This variant is present in population databases (rs760503818, gnomAD 0.008%). This variant has not been reported in the literature in individuals affected with AP5Z1-related conditions. ClinVar contains an entry for this variant (Variation ID: 2042121). Invitae Evidence Modeling of protein sequence and biophysical properties (such as structural, functional, and spatial information, amino acid conservation, physicochemical variation, residue mobility, and thermodynamic stability) has been performed for this missense variant. However, the output from this modeling did not meet the statistical confidence thresholds required to predict the impact of this variant on AP5Z1 protein function. In summary, the available evidence is currently insufficient to determine the role of this variant in disease. Therefore, it has been classified as a Variant of Uncertain Significance.

NM_014855.3(AP5Z1):c.703G>A (p.Asp235Asn)

Gene: AP5Z1 (adaptor related protein complex 5 subunit zeta 1; plus strand). Cytogenetic location: 7p22.1.
Variant type: single nucleotide variant.
Coding change: c.703G>A on transcript NM_014855.3 (MANE Select); coding-DNA position 703, G replaced by A.
Protein change: p.Asp235Asn; replaces aspartic acid 235 with asparagine.
Molecular consequence: missense variant. On other transcripts: non-coding transcript variant (1).
Genome position (GRCh38, 1-based): chr7:4,784,284, G>A. VCF-style: chr7-4784284-G-A. GRCh37 (hg19) VCF-style: chr7-4823915-G-A.
Other names: c.235G>A, p.Asp79Asn (NM_001364858.1); short protein forms D79N, D235N.
Identifiers: ClinVar variation 2042121 (VCV002042121.4), dbSNP rs760503818, ClinGen allele CA4137327.
Genomic context (GRCh38, chr7:4,784,284, plus strand): 5'-GACGGGGCGGTAGCCACAGACTTCTTCACGGTGCTCTCCAGCGGCCACCGCTTCACAGAC[G>A]ACCAGTGGCTGAACGTGCAGGCCTTCTCTATGCTGCGGGCGTGGCTGCTGCACAGCGGCC-3'
Protein context (NP_055670.1, residues 225-245): VLSSGHRFTD[Asp235Asn]QWLNVQAFSM